The following is an entry in ClinVar:

ClinVar aggregate classification (germline): Uncertain significance (1 of 4 stars; one submission).

Submission:

CeGaT Center for Human Genetics Tuebingen
Classification: Uncertain significance. Last evaluated: 2024-07-01. Review status: criteria provided, single submitter. Criteria: CeGaT Center For Human Genetics Tuebingen Variant Classification Criteria Version 2. Collection method: clinical testing. Allele origin: germline. Affected: yes. Observed: 1 variant allele.
Comment: TTN: PM2

NM_001267550.2(TTN):c.30496T>C (p.Tyr10166His)

Gene: TTN (titin; minus strand). Cytogenetic location: 2q31.2.
Variant type: single nucleotide variant.
Coding change: c.30496T>C on transcript NM_001267550.2 (MANE Select); coding-DNA position 30496, T replaced by C.
Protein change: p.Tyr10166His; replaces tyrosine 10166 with histidine.
Molecular consequence: missense variant. On other transcripts: intron variant (3).
Genome position (GRCh38, 1-based): chr2:178,702,183, A>G on the plus strand (T>C on the coding strand, the complement: TTN is on the minus strand). VCF-style: chr2-178702183-A-G. GRCh37 (hg19) VCF-style: chr2-179566910-A-G.
Other names: c.29545T>C, p.Tyr9849His (NM_001256850.1); c.26764T>C, p.Tyr8922His (NM_133378.4); c.13282+35899T>C (NM_003319.4); c.13858+35899T>C (NM_133437.4); c.13657+35899T>C (NM_133432.3); short protein forms Y10166H, Y8922H, Y9849H.
Identifiers: ClinVar variation 3257525 (VCV003257525.17).